The following is an entry in ClinVar:

ClinVar aggregate classification (germline): Uncertain significance (1 of 4 stars; one submission).

Conditions:
Duchenne muscular dystrophy (DMD). Also called: MUSCULAR DYSTROPHY, PSEUDOHYPERTROPHIC PROGRESSIVE, DUCHENNE TYPE; Duchenne Muscular Dystrophy (DMD). Identifiers: Orphanet 98896, MedGen C0013264, MONDO:0010679, OMIM 310200.

Submission:

Labcorp Genetics (formerly Invitae), Labcorp
Classification: Uncertain significance for Duchenne muscular dystrophy. Last evaluated: 2022-06-20. Review status: criteria provided, single submitter. Criteria: Invitae Variant Classification Sherloc (09022015). Collection method: clinical testing. Allele origin: germline.
Comment: This sequence change replaces cysteine, which is neutral and slightly polar, with serine, which is neutral and polar, at codon 1251 of the DMD protein (p.Cys1251Ser). This variant is not present in population databases (gnomAD no frequency). This variant has not been reported in the literature in individuals affected with DMD-related conditions. ClinVar contains an entry for this variant (Variation ID: 1058518). Algorithms developed to predict the effect of missense changes on protein structure and function (SIFT, PolyPhen-2, Align-GVGD) all suggest that this variant is likely to be tolerated. In summary, the available evidence is currently insufficient to determine the role of this variant in disease. Therefore, it has been classified as a Variant of Uncertain Significance.

NM_004006.3(DMD):c.3752G>C (p.Cys1251Ser)

Gene: DMD (dystrophin; minus strand). Cytogenetic location: Xp21.1.
Variant type: single nucleotide variant.
Coding change: c.3752G>C on transcript NM_004006.3 (MANE Select); coding-DNA position 3752, G replaced by C.
Protein change: p.Cys1251Ser; replaces cysteine 1251 with serine.
Molecular consequence: missense variant.
Genome position (GRCh38, 1-based): chrX:32,448,490, C>G on the plus strand (G>C on the coding strand, the complement: DMD is on the minus strand). VCF-style: chrX-32448490-C-G. GRCh37 (hg19) VCF-style: chrX-32466607-C-G.
Other names: c.3728G>C, p.Cys1243Ser (NM_000109.4); c.3740G>C, p.Cys1247Ser (NM_004009.3); c.3383G>C, p.Cys1128Ser (NM_004010.3); short protein forms C1128S, C1243S, C1247S, C1251S.
Identifiers: ClinVar variation 1058518 (VCV001058518.6), dbSNP rs2148287508, ClinGen allele CA412661753.